The following is an entry in ClinVar:

NM_001368882.1(COL13A1):c.2058+3G>A

Gene: COL13A1 (collagen type XIII alpha 1 chain; plus strand). Cytogenetic location: 10q22.1.
Variant type: single nucleotide variant.
Coding change: c.2058+3G>A on transcript NM_001368882.1 (MANE Select); 3 bases into the intron after coding-DNA position 2058, G replaced by A.
Molecular consequence: intron variant.
Genome position (GRCh38, 1-based): chr10:69,947,345, G>A. VCF-style: chr10-69947345-G-A. GRCh37 (hg19) VCF-style: chr10-71707101-G-A.
Other names: c.1914+3G>A (NM_001320951.2); c.1872+3G>A (NM_001368884.1); c.2025+3G>A (NM_001130103.2); c.1959+3G>A (NM_080801.4); c.1878+3G>A (NM_080802.4); c.1932+3G>A (NM_080800.4); c.1314+3G>A (NM_001368886.1); c.1935+3G>A (NM_001368883.1); and 7 more.
Identifiers: ClinVar variation 1384147 (VCV001384147.6), dbSNP rs2136215222, ClinGen allele CA2573145549.

ClinVar aggregate classification (germline): Uncertain significance (1 of 4 stars; one submission).

Submission:

Labcorp Genetics (formerly Invitae), Labcorp
Classification: Uncertain significance. Last evaluated: 2024-02-23. Review status: criteria provided, single submitter. Criteria: Invitae Variant Classification Sherloc (09022015). Collection method: clinical testing. Allele origin: germline.
Comment: This sequence change falls in intron 37 of the COL13A1 gene. It does not directly change the encoded amino acid sequence of the COL13A1 protein. It affects a nucleotide within the consensus splice site. This variant is not present in population databases (gnomAD no frequency). This variant has not been reported in the literature in individuals affected with COL13A1-related conditions. ClinVar contains an entry for this variant (Variation ID: 1384147). Variants that disrupt the consensus splice site are a relatively common cause of aberrant splicing (PMID: 17576681, 9536098). Algorithms developed to predict the effect of sequence changes on RNA splicing suggest that this variant is not likely to affect RNA splicing. In summary, the available evidence is currently insufficient to determine the role of this variant in disease. Therefore, it has been classified as a Variant of Uncertain Significance.

Literature cited by the submitters: PubMed 17576681; PubMed 9536098.